The following is an entry in ClinVar:

NM_172107.4(KCNQ2):c.881C>G (p.Ala294Gly)

Gene: KCNQ2 (potassium voltage-gated channel subfamily Q member 2; minus strand). Cytogenetic location: 20q13.33.
Variant type: single nucleotide variant.
Coding change: c.881C>G on transcript NM_172107.4 (MANE Select); coding-DNA position 881, C replaced by G.
Protein change: p.Ala294Gly; replaces alanine 294 with glycine.
Molecular consequence: missense variant.
Genome position (GRCh38, 1-based): chr20:63,439,644, G>C on the plus strand (C>G on the coding strand, the complement: KCNQ2 is on the minus strand). VCF-style: chr20-63439644-G-C. GRCh37 (hg19) VCF-style: chr20-62070997-G-C.
Other names: c.881C>G, p.Ala294Gly (NM_004518.6, NM_172106.3, NM_172108.5 and 1 more transcripts); c.881C>G (NM_172107.3); short protein forms A294G.
Identifiers: ClinVar variation 21805 (VCV000021805.7), dbSNP rs118192211, ClinGen allele CA342537.

ClinVar aggregate classification (germline): Likely pathogenic. Review status: criteria provided, multiple submitters, no conflicts (2 of 4 stars). 3 submissions from 3 submitters: Likely pathogenic (2). 1 of the submissions does not count toward it. Last evaluated 2024-10-16.

Conditions:
KCNQ2-Related Disorders. Also called: KCNQ2-related disorder; KCNQ2-related condition. Identifiers: MedGen CN169299.
Seizures, benign familial neonatal, 1. Also called: Seizures, benign neonatal, 1; KCNQ2-Related Self-Limited Familial Neonatal Epilepsy (SLFNE); Benign Neonatal Epilepsy 1; KCNQ2-Related Benign Familial Neonatal Epilepsy. Identifiers: Orphanet 1949, MedGen C3149074, MONDO:0007365, OMIM 121200.

Submissions (9):

Blueprint Genetics
Classification: Likely pathogenic for KCNQ2-related disorders. Last evaluated: 2024-10-16. Review status: criteria provided, single submitter. Criteria: ACMG Guidelines, 2015. Collection method: clinical testing. Allele origin: germline. Affected: yes. Observed: 2 variant alleles.

Rady Children's Institute for Genomic Medicine, Rady Children's Hospital San Diego
Classification: Likely pathogenic for KCNQ2-Related Disorders. Last evaluated: 2024-02-07. Review status: criteria provided, single submitter. Criteria: ACMG Guidelines, 2015. Collection method: clinical testing. Allele origin: germline. Affected: yes.
Comment: The c.881C>G (p.Ala294Gly) variant affects a highly conserved amino acid; however, in silico tools used to predict the effect of this variant on protein function yield discordant results. This variant has been previously reported as a heterozygous change in patients with benign familial neonatal seizures (PMID: 17129708). A different amino acid change at the same residue (p.Ala294Val) has been previously reported as a recurrent pathogenic variant in individuals with developmental and epileptic encephalopathy (PMID: 23621294, 23692823, 25052858, 29687029, 30107960). Functional studies indicate that this variant alters the function of the encoded potassium channel (PMID: 26007637, 35104249). The c.881C>G (p.Ala294Gly) variant is absent from the gnomAD v4 population database and thus is presumed to be rare. Based on the available evidence, c.881C>G (p.Ala294Gly) is classified as Likely Pathogenic.

Channelopathy-Associated Epilepsy Research Center
No classification provided (evidence only). Condition: Complex neurodevelopmental disorder. Review status: no classification provided. Collection method: literature only. Allele origin: not applicable. Functional consequence: Severe decrease in peak current, Severe slowing of activation, Severe hyperpolarizing shift of voltage dependence of activation. Not counted in ClinVar's aggregate classification.
ClinVar note: "not provided" was previously submitted as the classification for the variant. However, the classification appeared to be based only on an observation of functional data so it was converted to no classification on 2025-07-30.

Channelopathy-Associated Epilepsy Research Center
No classification provided (evidence only). Review status: no classification provided. Collection method: in vitro. Allele origin: not applicable. Functional consequence: Decrease in peak current. Not counted in ClinVar's aggregate classification.

Channelopathy-Associated Epilepsy Research Center
No classification provided (evidence only). Review status: no classification provided. Collection method: in vitro. Allele origin: not applicable. Functional consequence: Decrease in peak current. Not counted in ClinVar's aggregate classification.

Channelopathy-Associated Epilepsy Research Center
No classification provided (evidence only). Review status: no classification provided. Collection method: in vitro. Allele origin: not applicable. Functional consequence: Hyperpolarizing shift of voltage dependence of activation. Not counted in ClinVar's aggregate classification.

Channelopathy-Associated Epilepsy Research Center
No classification provided (evidence only). Review status: no classification provided. Collection method: in vitro. Allele origin: not applicable. Functional consequence: Normal slope of activation. Not counted in ClinVar's aggregate classification.

Channelopathy-Associated Epilepsy Research Center
No classification provided (evidence only). Review status: no classification provided. Collection method: in vitro. Allele origin: not applicable. Functional consequence: Slowing of activation. Not counted in ClinVar's aggregate classification.

GeneReviews
No classification provided. Condition: Seizures, benign familial neonatal, 1. Review status: no classification provided. Collection method: literature only. Allele origin: germline. Affected: yes. Not counted in ClinVar's aggregate classification.
Comment: BFNE (benign familial neonatal epilepsy)

Literature cited by the submitters: PubMed 35104249 (cited by Channelopathy-Associated Epilepsy Research Center); PubMed 17129708 (cited by GeneReviews); NCBI Bookshelf NBK32534 (cited by GeneReviews).